The following is an entry in ClinVar:

ClinVar aggregate classification (germline): Conflicting classifications of pathogenicity. Review status: criteria provided, conflicting classifications (1 of 4 stars). 7 submissions from 7 submitters: Uncertain significance (5); Likely benign (2). Last evaluated 2025-12-31.

Conditions:
TMEM43-related disorder. Also called: TMEM43-related condition.
Emery-Dreifuss muscular dystrophy 7, autosomal dominant (EDMD7). Also called: Emery-Dreifuss muscular dystrophy 7, AD. Identifiers: Orphanet 261, MedGen C3553060, MONDO:0013677, OMIM 614302.
Auditory neuropathy, autosomal dominant 3 (AUNA3). Identifiers: MedGen C5676964, MONDO:0859235, OMIM 619832.
Arrhythmogenic right ventricular dysplasia 5. Also called: Arrhythmogenic Right Ventricular Dysplasia/Cardiomyopathy 5; ARRHYTHMOGENIC RIGHT VENTRICULAR DYSPLASIA, FAMILIAL, 5. Identifiers: MedGen C1858379, MONDO:0011459, OMIM 604400.
Cardiomyopathy (CMYO). Also called: Cardiomyopathies. Identifiers: Orphanet 167848, MedGen C0878544, MONDO:0004994, HP:0001638. Inheritance: Various modes of inheritance.
Cardiovascular phenotype. Identifiers: MedGen CN230736.

Allele frequency attached by ClinVar (database versions not stated): TOPMed 0.00001.
gnomAD v4.1: 54 of 1,610,668 alleles (0.0034%); highest among the groups gnomAD compares: Non-Finnish European, 0.004%; no homozygotes.

Submissions (7):

PreventionGenetics, part of Exact Sciences
Classification: Uncertain significance for TMEM43-related condition. Last evaluated: 2025-12-31. Review status: criteria provided, single submitter. Criteria: ACMG Guidelines, 2015. Collection method: clinical testing. Allele origin: germline.
Comment: The TMEM43 c.287G>A variant is predicted to result in the amino acid substitution p.Arg96Gln. To our knowledge, this variant has not been reported in the literature. This variant is reported in 0.0055% of alleles in individuals of European (Non-Finnish) descent in gnomAD. At this time, the clinical significance of this variant is uncertain due to the absence of conclusive functional and genetic evidence.

Labcorp Genetics (formerly Invitae), Labcorp
Classification: Uncertain significance for Arrhythmogenic right ventricular dysplasia 5. Last evaluated: 2025-12-09. Review status: criteria provided, single submitter. Criteria: Invitae Variant Classification Sherloc (09022015). Collection method: clinical testing. Allele origin: germline.
Comment: This sequence change replaces arginine, which is basic and polar, with glutamine, which is neutral and polar, at codon 96 of the TMEM43 protein (p.Arg96Gln). This variant is present in population databases (rs748343919, gnomAD 0.006%). This variant has not been reported in the literature in individuals affected with TMEM43-related conditions. ClinVar contains an entry for this variant (Variation ID: 845707). Invitae Evidence Modeling of protein sequence and biophysical properties (such as structural, functional, and spatial information, amino acid conservation, physicochemical variation, residue mobility, and thermodynamic stability) indicates that this missense variant is not expected to disrupt TMEM43 protein function with a negative predictive value of 80%. In summary, the available evidence is currently insufficient to determine the role of this variant in disease. Therefore, it has been classified as a Variant of Uncertain Significance.

All of Us Research Program, National Institutes of Health
Classification: Uncertain significance for Arrhythmogenic right ventricular dysplasia 5. Last evaluated: 2024-05-17. Review status: criteria provided, single submitter. Criteria: ACMG Guidelines, 2015. Collection method: clinical testing. Allele origin: germline. Inheritance: Autosomal dominant inheritance. Observed: 10 variant alleles, 10 heterozygotes.
Comment: This missense variant replaces arginine with glutamine at codon 96 of the TMEM43 protein. Computational prediction suggests that this variant may not impact protein structure and function (internally defined REVEL score threshold <= 0.5, PMID: 27666373). To our knowledge, functional studies have not been reported for this variant. This variant has not been reported in individuals affected with cardiovascular disorders in the literature. This variant has been identified in 10/279710 chromosomes in the general population by the Genome Aggregation Database (gnomAD). The available evidence is insufficient to determine the role of this variant in disease conclusively. Therefore, this variant is classified as a Variant of Uncertain Significance.

This study involves interpretation of variants in research participants for the purpose of population health screening. Participant phenotype was not available at the time of variant classification. Additional details can be found in publication PMID: 35346344, PMCID: PMC8962531

Color Diagnostics, LLC DBA Color Health
Classification: Uncertain significance for Cardiomyopathy. Last evaluated: 2024-03-06. Review status: criteria provided, single submitter. Criteria: ACMG Guidelines, 2015. Collection method: clinical testing. Allele origin: germline.
Comment: This missense variant replaces arginine with glutamine at codon 96 of the TMEM43 protein. Computational prediction suggests that this variant may not impact protein structure and function (internally defined REVEL score threshold <= 0.5, PMID: 27666373). To our knowledge, functional studies have not been reported for this variant. This variant has not been reported in individuals affected with cardiovascular disorders in the literature. This variant has been identified in 10/279710 chromosomes in the general population by the Genome Aggregation Database (gnomAD). The available evidence is insufficient to determine the role of this variant in disease conclusively. Therefore, this variant is classified as a Variant of Uncertain Significance.

Blueprint Genetics
Classification: Likely benign. Last evaluated: 2022-08-26. Review status: criteria provided, single submitter. Criteria: ACMG Guidelines, 2015. Collection method: clinical testing. Allele origin: germline.

Ambry Genetics
Classification: Likely benign for Cardiovascular phenotype. Last evaluated: 2022-08-03. Review status: criteria provided, single submitter. Criteria: Ambry Variant Classification Scheme 2023. Collection method: clinical testing. Allele origin: germline.

Fulgent Genetics
Classification: Uncertain significance for Arrhythmogenic right ventricular dysplasia 5; Emery-Dreifuss muscular dystrophy 7, autosomal dominant; Auditory neuropathy, autosomal dominant 3. Last evaluated: 2021-08-23. Review status: criteria provided, single submitter. Criteria: ACMG Guidelines, 2015. Collection method: clinical testing. Allele origin: unknown.

NM_024334.3(TMEM43):c.287G>A (p.Arg96Gln)

Gene: TMEM43 (transmembrane protein 43; plus strand). Cytogenetic location: 3p25.1.
Variant type: single nucleotide variant.
Coding change: c.287G>A on transcript NM_024334.3 (MANE Select); coding-DNA position 287, G replaced by A.
Protein change: p.Arg96Gln; replaces arginine 96 with glutamine.
Molecular consequence: missense variant.
Genome position (GRCh38, 1-based): chr3:14,130,946, G>A. VCF-style: chr3-14130946-G-A. GRCh37 (hg19) VCF-style: chr3-14172446-G-A.
Other names: short protein forms R96Q.
Identifiers: ClinVar variation 845707 (VCV000845707.19), dbSNP rs748343919, ClinGen allele CA052537.